The following is an entry in ClinVar:

ClinVar aggregate classification (germline): Uncertain significance. Review status: criteria provided, multiple submitters, no conflicts (2 of 4 stars). 5 submissions from 5 submitters: Uncertain significance (3). 2 of the submissions do not count toward it. Last evaluated 2025-11-23.

Conditions:
Familial hemiplegic migraine. Identifiers: MedGen C0338484, MONDO:0000700.
Inborn genetic diseases. Identifiers: MedGen C0950123, MeSH D030342.
Developmental and epileptic encephalopathy 98. Identifiers: MedGen C5562017, MONDO:0030472, OMIM 619605.
ATP1A2-related disorder. Also called: ATP1A2-related condition; ATP1A2-RELATED DISORDERS.

Allele frequency attached by ClinVar (database versions not stated): gnomAD exomes below 0.00001; ExAC 0.00001.
gnomAD v4.1: 2 of 1,614,150 alleles (0.00012%); highest among the groups gnomAD compares: African/African-American, 0.0013%; no homozygotes.

Submissions (5):

Labcorp Genetics (formerly Invitae), Labcorp
Classification: Uncertain significance for Familial hemiplegic migraine. Last evaluated: 2025-11-23. Review status: criteria provided, single submitter. Criteria: Invitae Variant Classification Sherloc (09022015). Collection method: clinical testing. Allele origin: germline.
Comment: This sequence change replaces threonine, which is neutral and polar, with methionine, which is neutral and non-polar, at codon 917 of the ATP1A2 protein (p.Thr917Met). This variant is present in population databases (rs747016236, gnomAD 0.006%). This missense change has been observed in individual(s) with clinical features of ATP1A2-related conditions (PMID: 36035117). ClinVar contains an entry for this variant (Variation ID: 2482939). Invitae Evidence Modeling of protein sequence and biophysical properties (such as structural, functional, and spatial information, amino acid conservation, physicochemical variation, residue mobility, and thermodynamic stability) indicates that this missense variant is expected to disrupt ATP1A2 protein function with a positive predictive value of 80%. In summary, the available evidence is currently insufficient to determine the role of this variant in disease. Therefore, it has been classified as a Variant of Uncertain Significance.

Blueprint Genetics
Classification: Uncertain significance. Last evaluated: 2024-09-30. Review status: criteria provided, single submitter. Criteria: ACMG Guidelines, 2015. Collection method: clinical testing. Allele origin: germline.

Ambry Genetics
Classification: Uncertain significance for Inborn genetic diseases. Last evaluated: 2023-02-10. Review status: criteria provided, single submitter. Criteria: Ambry Variant Classification Scheme 2023. Collection method: clinical testing. Allele origin: germline.

PreventionGenetics, part of Exact Sciences
Classification: Uncertain significance for ATP1A2-related condition. Last evaluated: 2024-06-10. Review status: no assertion criteria provided. Collection method: clinical testing. Allele origin: germline. Not counted in ClinVar's aggregate classification.
Comment: The ATP1A2 c.2750C>T variant is predicted to result in the amino acid substitution p.Thr917Met. This variant was reported in an individual with focal epilepsy (Mellone et al. 2022. PubMed ID: 36035117, Supplementary Table 3). This variant is reported in 0.0054% of alleles in individuals of East Asian descent in gnomAD. Although we suspect that this variant may be pathogenic, at this time, the clinical significance of this variant is uncertain due to the absence of conclusive functional and genetic evidence.

Clinical Genetics Laboratory, University Hospital Schleswig-Holstein
Classification: Uncertain significance for Developmental and epileptic encephalopathy 98. Last evaluated: 2024-03-05. Review status: no assertion criteria provided. Collection method: clinical testing. Allele origin: germline. Affected: yes. Not counted in ClinVar's aggregate classification.

Literature cited by the submitters: PubMed 36035117 (cited by Labcorp Genetics (formerly Invitae), Labcorp).

NM_000702.4(ATP1A2):c.2750C>T (p.Thr917Met)

Gene: ATP1A2 (ATPase Na+/K+ transporting subunit alpha 2; plus strand). Cytogenetic location: 1q23.2.
Variant type: single nucleotide variant.
Coding change: c.2750C>T on transcript NM_000702.4 (MANE Select); coding-DNA position 2750, C replaced by T.
Protein change: p.Thr917Met; replaces threonine 917 with methionine.
Molecular consequence: missense variant.
Genome position (GRCh38, 1-based): chr1:160,136,941, C>T. VCF-style: chr1-160136941-C-T. GRCh37 (hg19) VCF-style: chr1-160106731-C-T.
Other names: short protein forms T917M.
Identifiers: ClinVar variation 2482939 (VCV002482939.7), dbSNP rs747016236, ClinGen allele CA1194833.